The following is an entry in ClinVar:

NM_000038.6(APC):c.245T>A (p.Phe82Tyr)

Gene: APC (APC regulator of Wnt signaling pathway; plus strand). Cytogenetic location: 5q22.2.
Variant type: single nucleotide variant.
Coding change: c.245T>A on transcript NM_000038.6 (MANE Select); coding-DNA position 245, T replaced by A.
Protein change: p.Phe82Tyr; replaces phenylalanine 82 with tyrosine.
Molecular consequence: missense variant. On other transcripts: 5 prime UTR variant (4), non-coding transcript variant (2).
Genome position (GRCh38, 1-based): chr5:112,767,213, T>A. VCF-style: chr5-112767213-T-A. GRCh37 (hg19) VCF-style: chr5-112102910-T-A.
Other names: c.68T>A, p.Phe23Tyr (NM_001354901.2, NM_001354905.2, NM_001354900.2 and 1 more transcripts); c.275T>A, p.Phe92Tyr (NM_001354902.2, NM_001407446.1, NM_001127511.3 and 1 more transcripts); c.245T>A, p.Phe82Tyr (NM_001354903.2, NM_001407448.1, NM_001407449.1 and 16 more transcripts); c.-791T>A (NM_001354906.2, NM_001407470.1, NM_001407471.1 and 1 more transcripts); c.170T>A, p.Phe57Tyr (NM_001354904.2, NM_001354898.2, NM_001407451.1); short protein forms F23Y, F82Y, F57Y, F92Y.
Identifiers: ClinVar variation 2452691 (VCV002452691.2), dbSNP rs1179254201, ClinGen allele CA16021880.

ClinVar aggregate classification (germline): Uncertain significance (1 of 4 stars; one submission).

Conditions:
Hereditary cancer-predisposing syndrome. Also called: Neoplastic Syndromes, Hereditary; Tumor predisposition; Hereditary neoplastic syndrome; Hereditary Cancer Syndrome. Identifiers: Orphanet 140162, MedGen C0027672, MeSH D009386, MONDO:0015356.

Submission:

Ambry Genetics
Classification: Uncertain significance for Hereditary cancer-predisposing syndrome. Last evaluated: 2022-12-05. Review status: criteria provided, single submitter. Criteria: Ambry Variant Classification Scheme 2023. Collection method: clinical testing. Allele origin: germline.
Comment: The p.F82Y variant (also known as c.245T>A), located in coding exon 3 of the APC gene, results from a T to A substitution at nucleotide position 245. The phenylalanine at codon 82 is replaced by tyrosine, an amino acid with highly similar properties. This amino acid position is conserved. In addition, in silico predictors for this gene do not accurately predict pathogenicity. Since supporting evidence is limited at this time, the clinical significance of this alteration remains unclear.